The following is an entry in ClinVar:

NM_001103.4(ACTN2):c.1192C>T (p.Arg398Cys)

Gene: ACTN2 (actinin alpha 2; plus strand). Cytogenetic location: 1q43.
Variant type: single nucleotide variant.
Coding change: c.1192C>T on transcript NM_001103.4 (MANE Select); coding-DNA position 1192, C replaced by T.
Protein change: p.Arg398Cys; replaces arginine 398 with cysteine.
Molecular consequence: missense variant.
Genome position (GRCh38, 1-based): chr1:236,742,980, C>T. VCF-style: chr1-236742980-C-T. GRCh37 (hg19) VCF-style: chr1-236906280-C-T.
Other names: c.1192C>T, p.Arg398Cys (NM_001278343.2); c.568C>T, p.Arg190Cys (NM_001278344.2); short protein forms R398C, R190C.
Identifiers: ClinVar variation 463190 (VCV000463190.19), dbSNP rs148189507, ClinGen allele CA1473075.
Genomic context (GRCh38, chr1:236,742,980, plus strand): 5'-CTGGAGCAGGCTGAGAAGGGTTACGAGGAGTGGTTGCTCAATGAGATTCGGAGACTGGAG[C>T]GCTTGGAACACCTGGCTGAGAAGTTCAGGCAGAAGGCCTCAACGCACGAGACTTGGGCTT-3'
Protein context (NP_001094.1, residues 388-408): WLLNEIRRLE[Arg398Cys]LEHLAEKFRQ

ClinVar aggregate classification (germline): Conflicting classifications of pathogenicity. Review status: criteria provided, conflicting classifications (1 of 4 stars). 9 submissions from 9 submitters: Uncertain significance (3); Benign (1). 5 of the submissions do not count toward it. Last evaluated 2025-12-17.

Conditions:
Dilated cardiomyopathy 1AA (CMD1AA). Also called: CARDIOMYOPATHY, DILATED, 1AA, WITH OR WITHOUT LEFT VENTRICULAR NONCOMPACTION; CARDIOMYOPATHY, FAMILIAL HYPERTROPHIC, 23, WITH OR WITHOUT LEFT VENTRICULAR NONCOMPACTION; Cardiomyopathy, dilated, 1AA, with or without LVNC. Identifiers: Orphanet 154, MedGen C2677338, MONDO:0012808, OMIM 612158.
Primary familial hypertrophic cardiomyopathy (HCM). Identifiers: Orphanet 99739, MedGen C0949658, MeSH D024741, MONDO:0024573. Inheritance: Various modes of inheritance.
Cardiovascular phenotype. Identifiers: MedGen CN230736.

Allele frequency attached by ClinVar (database versions not stated): gnomAD exomes 0.00002; ExAC 0.00003; gnomAD 0.00010; TOPMed 0.00012; ESP Exome Variant Server 0.00023.
gnomAD v4.1: 37 of 1,614,080 alleles (0.0023%); highest among the groups gnomAD compares: African/African-American, 0.028%; no homozygotes.

Submissions (9):

Labcorp Genetics (formerly Invitae), Labcorp
Classification: Benign for Primary familial hypertrophic cardiomyopathy; Dilated cardiomyopathy 1AA. Last evaluated: 2025-12-17. Review status: criteria provided, single submitter. Criteria: Invitae Variant Classification Sherloc (09022015). Collection method: clinical testing. Allele origin: germline.

Ambry Genetics
Classification: Uncertain significance for Cardiovascular phenotype. Last evaluated: 2024-07-02. Review status: criteria provided, single submitter. Criteria: Ambry Variant Classification Scheme 2023. Collection method: clinical testing. Allele origin: germline.
Comment: The p.R398C variant (also known as c.1192C>T), located in coding exon 11 of the ACTN2 gene, results from a C to T substitution at nucleotide position 1192. The arginine at codon 398 is replaced by cysteine, an amino acid with highly dissimilar properties. This variant was detected in a cardiomyopathy genetic testing cohort as well as a dilated cardiomyopathy cohort; however, clinical details were limited, and additional cardiac variants were detected in some cases. (van Lint FHM et al, 2019 Jun;27:304-309; Horvat C et al. Genet. Med., 2019 01;21:133-143). This amino acid position is highly conserved in available vertebrate species. In addition, this alteration is predicted to be deleterious by in silico analysis. Since supporting evidence is limited at this time, the clinical significance of this alteration remains unclear.

GeneDx
Classification: Uncertain significance. Last evaluated: 2022-01-25. Review status: criteria provided, single submitter. Criteria: GeneDx Variant Classification Process June 2021. Collection method: clinical testing. Allele origin: germline. Affected: yes.
Comment: Has not been previously published as pathogenic or benign to our knowledge; In silico analysis supports that this missense variant has a deleterious effect on protein structure/function; Reported in ClinVar as a variant of uncertain significance (ClinVar Variant ID# 463190)

Blueprint Genetics
Classification: Uncertain significance. Last evaluated: 2020-07-31. Review status: criteria provided, single submitter. Criteria: ACMG Guidelines, 2015. Collection method: clinical testing. Allele origin: germline.

Clinical Genetics DNA and cytogenetics Diagnostics Lab, Erasmus MC, Erasmus Medical Center
Classification: Uncertain significance. Review status: no assertion criteria provided. Collection method: clinical testing. Allele origin: germline. Affected: yes. Study: VKGL Data-share Consensus. Not counted in ClinVar's aggregate classification.

Clinical Genetics, Academic Medical Center
Classification: Uncertain significance. Review status: no assertion criteria provided. Collection method: clinical testing. Allele origin: germline. Affected: yes. Study: VKGL Data-share Consensus. Not counted in ClinVar's aggregate classification.

Diagnostic Laboratory, Department of Genetics, University Medical Center Groningen
Classification: Uncertain significance for Dilated cardiomyopathy 1AA. Review status: no assertion criteria provided. Collection method: clinical testing. Allele origin: germline. Affected: yes. Study: VKGL Data-share Consensus. Not counted in ClinVar's aggregate classification.

Genome Diagnostics Laboratory, University Medical Center Utrecht
Classification: Uncertain significance. Review status: no assertion criteria provided. Collection method: clinical testing. Allele origin: germline. Affected: yes. Study: VKGL Data-share Consensus. Not counted in ClinVar's aggregate classification.

Joint Genome Diagnostic Labs from Nijmegen and Maastricht, Radboudumc and MUMC+
Classification: Uncertain significance. Review status: no assertion criteria provided. Collection method: clinical testing. Allele origin: germline. Affected: yes. Study: VKGL Data-share Consensus. Not counted in ClinVar's aggregate classification.

Literature cited by the submitters: PubMed 27707468 (cited by Ambry Genetics); PubMed 29892087 (cited by Ambry Genetics); PubMed 29961767 (cited by Ambry Genetics); PubMed 30847666 (cited by Ambry Genetics).